The following is an entry in ClinVar:

NM_133433.4(NIPBL):c.617T>A (p.Val206Glu)

Gene: NIPBL (NIPBL cohesin loading factor; plus strand). Cytogenetic location: 5p13.2.
Variant type: single nucleotide variant.
Coding change: c.617T>A on transcript NM_133433.4 (MANE Select); coding-DNA position 617, T replaced by A.
Protein change: p.Val206Glu; replaces valine 206 with glutamic acid.
Molecular consequence: missense variant.
Genome position (GRCh38, 1-based): chr5:36,970,882, T>A. VCF-style: chr5-36970882-T-A. GRCh37 (hg19) VCF-style: chr5-36970984-T-A.
Other names: c.617T>A, p.Val206Glu (NM_015384.5); short protein forms V206E.
Identifiers: ClinVar variation 1044966 (VCV001044966.10), dbSNP rs1742780375, ClinGen allele CA359478091.

ClinVar aggregate classification (germline): Uncertain significance (1 of 4 stars; one submission).

Conditions:
Cornelia de Lange syndrome 1 (CDLS1). Also called: TYPUS DEGENERATIVUS AMSTELODAMENSIS; Brachmann de Lange syndrome; NIPBL-Related Cornelia de Lange Syndrome. Identifiers: Orphanet 199, MedGen C4551851, MONDO:0007387, OMIM 122470.

Allele frequency attached by ClinVar (database versions not stated): TOPMed below 0.00001; gnomAD 0.00001.
gnomAD v4.1: 5 of 1,613,128 alleles (0.00031%); highest among the groups gnomAD compares: Non-Finnish European, 0.00042%; no homozygotes.

Submission:

Labcorp Genetics (formerly Invitae), Labcorp
Classification: Uncertain significance for Cornelia de Lange syndrome 1. Last evaluated: 2020-02-08. Review status: criteria provided, single submitter. Criteria: Invitae Variant Classification Sherloc (09022015). Collection method: clinical testing. Allele origin: germline.
Comment: This sequence change replaces valine with glutamic acid at codon 206 of the NIPBL protein (p.Val206Glu). The valine residue is moderately conserved and there is a moderate physicochemical difference between valine and glutamic acid. This variant is not present in population databases (ExAC no frequency). This variant has not been reported in the literature in individuals with NIPBL-related conditions. Algorithms developed to predict the effect of missense changes on protein structure and function are either unavailable or do not agree on the potential impact of this missense change (SIFT: "Deleterious"; PolyPhen-2: "Benign"; Align-GVGD: "Class C0"). In summary, the available evidence is currently insufficient to determine the role of this variant in disease. Therefore, it has been classified as a Variant of Uncertain Significance.